The following is an entry in ClinVar:

ClinVar aggregate classification (germline): Likely benign. Review status: criteria provided, single submitter (1 of 4 stars). 2 submissions from 2 submitters: Likely benign (1). 1 of the submissions does not count toward it. Last evaluated 2024-11-05.

Conditions:
PLK4-related disorder. Also called: PLK4-related condition.

Submissions (6):

Blueprint Genetics
Classification: Likely benign. Last evaluated: 2024-11-05. Review status: criteria provided, single submitter. Criteria: ACMG Guidelines, 2015. Collection method: clinical testing. Allele origin: germline.

PreventionGenetics, part of Exact Sciences
Classification: Benign for PLK4-related condition. Last evaluated: 2020-02-27. Review status: no assertion criteria provided. Collection method: clinical testing. Allele origin: germline. Not counted in ClinVar's aggregate classification.
Comment: This variant is classified as benign based on ACMG/AMP sequence variant interpretation guidelines (Richards et al. 2015 PMID: 25741868, with internal and published modifications).

Dr. Peter K. Rogan Lab, Western University
No classification provided (evidence only). Condition: Familial cancer of breast. Review status: no classification provided. Collection method: in vitro. Allele origin: not applicable. Functional consequence: retained intron. Not counted in ClinVar's aggregate classification.

Dr. Peter K. Rogan Lab, Western University
No classification provided (evidence only). Condition: Nonpapillary renal cell carcinoma. Review status: no classification provided. Collection method: in vitro. Allele origin: not applicable. Functional consequence: retained intron. Not counted in ClinVar's aggregate classification.

Dr. Peter K. Rogan Lab, Western University
No classification provided (evidence only). Condition: Gastric cancer. Review status: no classification provided. Collection method: in vitro. Allele origin: not applicable. Functional consequence: retained intron. Not counted in ClinVar's aggregate classification.

Dr. Peter K. Rogan Lab, Western University
No classification provided (evidence only). Condition: Uterine corpus endometrial carcinoma. Review status: no classification provided. Collection method: in vitro. Allele origin: not applicable. Functional consequence: retained intron. Not counted in ClinVar's aggregate classification.

NM_014264.5(PLK4):c.1831-4_1831-3del

Gene: PLK4 (polo like kinase 4; plus strand). Cytogenetic location: 4q28.1.
Variant type: Deletion.
Coding change: c.1831-4_1831-3del on transcript NM_014264.5 (MANE Select); 4 bases into the intron before coding-DNA position 1831 through 3 bases into the intron before coding-DNA position 1831, 2 bases deleted (TT; older notation c.1831-4_1831-3delTT).
Molecular consequence: intron variant.
Genome position (GRCh38, 1-based): chr4:127,891,088-127,891,089, TT deleted; deleting any 2 consecutive bases within chr4:127,891,076-127,891,089 gives the same sequence; the c. name uses the placement nearest the transcript's 3' end. VCF-style (leftmost placement, unchanged base first): chr4-127891075-GTT-G. GRCh37 (hg19) VCF-style: chr4-128812230-GTT-G.
Other names: NC_000004.11:g.128812243_128812244del; c.1735-4_1735-3del (NM_001190799.2); c.1708-4_1708-3del (NM_001190801.2).
Identifiers: ClinVar variation 3038697 (VCV003038697.4), dbSNP rs75010725, ClinGen allele CA3076864.
Genomic context (GRCh38, chr4:127,891,075, plus strand): 5'-CCTAAGTATTATGTATGTCAGAGCTGTTCTAGTAAACAAAAGAATTATTACTGATTTTGG[GTT>G]TTTTTTTTTTTTAGGTGAGCATACTTGATTCAGAGGAGGTGTGTGTGGAGCTTGTAAAGG-3'